The following is an entry in ClinVar:

ClinVar aggregate classification (germline): Pathogenic (1 of 4 stars; one submission).

Conditions:
Congenital ocular coloboma. Also called: COLOBOMA OF IRIS, CHOROID, AND RETINA; COLOBOMA, UVEORETINAL; Coloboma of eye; Coloboma. Identifiers: Orphanet 194, MedGen C0009363, MONDO:0001476, HP:0000589.

Submission:

Genetics Department, University Hospital of Toulouse
Classification: Pathogenic for Congenital ocular coloboma. Last evaluated: 2022-10-15. Review status: criteria provided, single submitter. Criteria: ACMG Guidelines, 2015. Collection method: clinical testing. Allele origin: germline. Affected: yes.
Comment: P (PSVS1, PS2, PM2)

NM_000278.5(PAX2):c.389_390insTGCT (p.Ser131fs)

Gene: PAX2 (paired box 2; plus strand). Cytogenetic location: 10q24.31.
Variant type: Insertion.
Coding change: c.389_390insTGCT on transcript NM_000278.5 (MANE Select); coding-DNA positions 389 to 390, TGCT inserted.
Protein change: p.Ser131fs; shifts the reading frame from serine 131.
Molecular consequence: frameshift variant.
Genome position: GRCh38 VCF-style: chr10-100750870-C-CTGCT. GRCh37 (hg19) VCF-style: chr10-102510627-C-CTGCT.
Other names: c.482_483insTGCT, p.Ser162fs (NM_001304569.2); c.389_390insTGCT, p.Ser131fs (NM_003987.5, NM_003988.5, NM_003989.5 and 1 more transcripts); short protein forms S131fs, S162fs.
Identifiers: ClinVar variation 1710335 (VCV001710335.1), dbSNP rs2492900348, ClinGen allele CA2580081098.